The following is an entry in ClinVar:

ClinVar aggregate classification (germline): Uncertain significance (1 of 4 stars; one submission).

Conditions:
Argininosuccinate lyase deficiency. Also called: Argininosuccinic aciduria; ARGININOSUCCINIC ACID LYASE DEFICIENCY; ASL DEFICIENCY. Identifiers: Orphanet 23, MedGen C0268547, MONDO:0008815, OMIM 207900, HP:0025630.

Submission:

Myriad Genetics, Inc.
Classification: Uncertain significance for Argininosuccinate lyase deficiency. Last evaluated: 2026-01-26. Review status: criteria provided, single submitter. Criteria: Myriad Autosomal Dominant, Autosomal Recessive and X-Linked Classification Criteria (2023). Collection method: clinical testing. Allele origin: unknown.
Comment: NM_001024943.1(ASL):c.943A>G(K315E) is a missense variant classified as a variant of uncertain significance in the context of argininosuccinic aciduria. K315E has been observed in cases with relevant disease (PMID: 21667091, 24166829). Relevant functional assessments of this variant are available in the literature (PMID: 31943503). K315E has not been observed in referenced population frequency databases. In summary, there is insufficient evidence to classify NM_001024943.1(ASL):c.943A>G(K315E) as pathogenic or benign. Please note: this variant was assessed in the context of healthy population screening.

Literature cited by the submitters: PubMed 21667091; PubMed 24166829; PubMed 31943503.

NM_000048.4(ASL):c.943A>G (p.Lys315Glu)

Gene: ASL (argininosuccinate lyase; plus strand). Cytogenetic location: 7q11.21.
Variant type: single nucleotide variant.
Coding change: c.943A>G on transcript NM_000048.4 (MANE Select); coding-DNA position 943, A replaced by G.
Protein change: p.Lys315Glu; replaces lysine 315 with glutamic acid.
Molecular consequence: missense variant. On other transcripts: intron variant (1).
Genome position (GRCh38, 1-based): chr7:66,089,300, A>G. VCF-style: chr7-66089300-A-G. GRCh37 (hg19) VCF-style: chr7-65554287-A-G.
Other names: c.943A>G, p.Lys315Glu (NM_001024943.2); c.865A>G, p.Lys289Glu (NM_001024946.2); c.918+125A>G (NM_001024944.2); short protein forms K289E, K315E.
Identifiers: ClinVar variation 5003284 (VCV005003284.1).